The following is an entry in ClinVar:

NM_020117.11(LARS1):c.2149-16T>C

Gene: LARS1 (leucyl-tRNA synthetase 1; minus strand). Cytogenetic location: 5q32.
Variant type: single nucleotide variant.
Coding change: c.2149-16T>C on transcript NM_020117.11 (MANE Select); 16 bases into the intron before coding-DNA position 2149, T replaced by C.
Molecular consequence: intron variant.
Genome position (GRCh38, 1-based): chr5:146,135,680, A>G on the plus strand (T>C on the coding strand, the complement: LARS1 is on the minus strand). VCF-style: chr5-146135680-A-G. GRCh37 (hg19) VCF-style: chr5-145515243-A-G.
Other names: c.1987-16T>C (NM_001317965.2); c.2068-16T>C (NM_016460.4); c.2011-16T>C (NM_001317964.2).
Identifiers: ClinVar variation 138088 (VCV000138088.8), dbSNP rs371035009, ClinGen allele CA291888.
Genomic context (GRCh38, chr5:146,135,680, plus strand): 5'-AATAGCTTGGGTCAAAGTGAGGAAGTTGCCTGTGGATTTTGACATCTGAAATAGAGAGTC[A>G]GTGATCAATCATTAATAACAGTAATATAAATAAACCAAATGAGCCAAATAAAATTAACTA-3'

ClinVar aggregate classification (germline): Benign/Likely benign. Review status: criteria provided, multiple submitters, no conflicts (2 of 4 stars). 2 submissions from 2 submitters: Benign (1); Likely benign (1). Last evaluated 2026-01-19.

Allele frequency attached by ClinVar (database versions not stated): gnomAD 0.00009; TOPMed 0.00012; gnomAD exomes 0.00014 and 0.00015; ExAC 0.00016; ESP Exome Variant Server 0.00031.
gnomAD v4.1: 205 of 1,575,142 alleles (0.013%); highest among the groups gnomAD compares: Non-Finnish European, 0.017%; 1 homozygote.

Submissions (2):

Labcorp Genetics (formerly Invitae), Labcorp
Classification: Likely benign. Last evaluated: 2026-01-19. Review status: criteria provided, single submitter. Criteria: Invitae Variant Classification Sherloc (09022015). Collection method: clinical testing. Allele origin: germline.

GeneDx
Classification: Benign. Last evaluated: 2014-06-03. Review status: criteria provided, single submitter. Criteria: GeneDx Variant Classification (06012015). Collection method: clinical testing. Allele origin: germline. Affected: yes.
Comment: This variant is considered likely benign or benign based on one or more of the following criteria: it is a conservative change, it occurs at a poorly conserved position in the protein, it is predicted to be benign by multiple in silico algorithms, and/or has population frequency not consistent with disease.